The following is an entry in ClinVar:

ClinVar aggregate classification (germline): Conflicting classifications of pathogenicity. Review status: criteria provided, conflicting classifications (1 of 4 stars). 4 submissions from 4 submitters: Uncertain significance (1); Likely benign (2). 1 of the submissions does not count toward it. Last evaluated 2025-12-17.

Conditions:
GRM6-related disorder. Also called: GRM6-related condition.

Allele frequency attached by ClinVar (database versions not stated): gnomAD 0.00031 and 0.00034; 1000 Genomes Project 30x 0.00062; TOPMed 0.00074; 1000 Genomes Project 0.00080; gnomAD exomes 0.00048; ExAC 0.00055.
gnomAD v4.1: 343 of 1,614,022 alleles (0.021%); highest among the groups gnomAD compares: East Asian, 0.56%; 3 homozygotes.

Submissions (5):

Labcorp Genetics (formerly Invitae), Labcorp
Classification: Likely benign. Last evaluated: 2025-12-17. Review status: criteria provided, single submitter. Criteria: Invitae Variant Classification Sherloc (09022015). Collection method: clinical testing. Allele origin: germline.

Blueprint Genetics
Classification: Likely benign. Last evaluated: 2024-11-26. Review status: criteria provided, single submitter. Criteria: ACMG Guidelines, 2015. Collection method: clinical testing. Allele origin: germline.

CeGaT Center for Human Genetics Tuebingen
Classification: Uncertain significance. Last evaluated: 2016-08-01. Review status: criteria provided, single submitter. Criteria: CeGaT Center For Human Genetics Tuebingen Variant Classification Criteria Version 2. Collection method: clinical testing. Allele origin: germline. Affected: yes. Observed: 1 variant allele.

PreventionGenetics, part of Exact Sciences
Classification: Likely benign for GRM6-related condition. Last evaluated: 2019-09-05. Review status: no assertion criteria provided. Collection method: clinical testing. Allele origin: germline. Not counted in ClinVar's aggregate classification.
Comment: This variant is classified as likely benign based on ACMG/AMP sequence variant interpretation guidelines (Richards et al. 2015 PMID: 25741868, with internal and published modifications).

Dr. Peter K. Rogan Lab, Western University
No classification provided (evidence only). Condition: Hepatocellular carcinoma. Review status: no classification provided. Collection method: in vitro. Allele origin: not applicable. Functional consequence: retained intron. Not counted in ClinVar's aggregate classification.

NM_000843.4(GRM6):c.2257G>A (p.Gly753Ser)

Genes: GRM6 (glutamate metabotropic receptor 6; minus strand), ZNF454 (zinc finger protein 454; plus strand). Cytogenetic location: 5q35.3.
Variant type: single nucleotide variant.
Coding change: c.2257G>A on transcript NM_000843.4 (MANE Select); coding-DNA position 2257, G replaced by A.
Protein change: p.Gly753Ser; replaces glycine 753 with serine.
Molecular consequence: missense variant.
Genome position (GRCh38, 1-based): chr5:178,983,089, C>T on the plus strand (G>A on the coding strand, the complement: GRM6 is on the minus strand). VCF-style: chr5-178983089-C-T. GRCh37 (hg19) VCF-style: chr5-178410090-C-T.
Other names: short protein forms G753S.
Identifiers: ClinVar variation 374582 (VCV000374582.56), dbSNP rs79602188, ClinGen allele CA3593582.